The following is an entry in ClinVar:

NM_000257.4(MYH7):c.952A>C (p.Thr318Pro)

Gene: MYH7 (myosin heavy chain 7; minus strand). Cytogenetic location: 14q11.2.
Variant type: single nucleotide variant.
Coding change: c.952A>C on transcript NM_000257.4 (MANE Select); coding-DNA position 952, A replaced by C.
Protein change: p.Thr318Pro; replaces threonine 318 with proline.
Molecular consequence: missense variant.
Genome position (GRCh38, 1-based): chr14:23,430,607, T>G on the plus strand (A>C on the coding strand, the complement: MYH7 is on the minus strand). VCF-style: chr14-23430607-T-G. GRCh37 (hg19) VCF-style: chr14-23899816-T-G.
Other names: short protein forms T318P.
Identifiers: ClinVar variation 619260 (VCV000619260.3), dbSNP rs1566536436, ClinGen allele CA389051682.

ClinVar aggregate classification (germline): Likely pathogenic. Review status: criteria provided, single submitter (1 of 4 stars). 2 submissions from 2 submitters: Likely pathogenic (1). 1 of the submissions does not count toward it. Last evaluated 2018-10-31.

Conditions:
Hypertrophic cardiomyopathy. Also called: HYPERTROPHIC MYOCARDIOPATHY. Identifiers: Orphanet 217569, MedGen C0007194, MeSH D002312, MONDO:0005045, HP:0001639.

Submissions (2):

Center for Human Genetics, University of Leuven
Classification: Likely pathogenic for Hypertrophic cardiomyopathy. Last evaluated: 2018-10-31. Review status: criteria provided, single submitter. Criteria: ACMG Guidelines, 2015. Collection method: clinical testing. Allele origin: de novo. Affected: yes.

Agnes Ginges Centre for Molecular Cardiology, Centenary Institute
Classification: Likely pathogenic for Hypertrophic cardiomyopathy. Last evaluated: 2018-10-11. Review status: no assertion criteria provided. Collection method: research. Allele origin: germline. Inheritance: Autosomal dominant inheritance. Affected: yes. Not counted in ClinVar's aggregate classification.
Comment: MYH7 Thr318Pro has been reported by another genetic testing laboratory in a de novo case of HCM (ClinVar, SCV000886777.1). The variant segregated to multiple affected family members (5 meiosis). The variant is absent from the Genome Aggregation Database. In a large HCM population study Walsh et al., showed that MYH7 variants identified in HCM cases were found to cluster between amino acids 181- 937 (2017), this implies that variants in this region are likely to cause a HCM phenotype. Computational tools SIFT, PolyPhen-2 and MutationTaster predicts this variant to be deleterious. Based on the adapted ACMG criteria (Kelly MA, et al., 2018) this variant is located in mutational hotspot (PM1), is rare in the general population (PM2), has been reported in a de novo case (PM6), segregates with disease (PP1_moderate) and multiple in silico tools predict that this variant is deleterious (PP3), therefore we classify MYH7 Thr318Pro as 'likely pathogenic'.

Literature cited by the submitters: PubMed 28408708 (cited by Agnes Ginges Centre for Molecular Cardiology, Centenary Institute).